The following is an entry in ClinVar:

ClinVar aggregate classification (germline): Benign (1 of 4 stars; one submission).

Allele frequency attached by ClinVar (database versions not stated): 1000 Genomes Project 30x 0.00016; 1000 Genomes Project 0.00020; TOPMed 0.00073; gnomAD 0.00074; gnomAD exomes 0.00081.
gnomAD v4.1: 164 of 217,054 alleles (0.076%); highest among the groups gnomAD compares: Middle Eastern, 0.15%; no homozygotes.

Submission:

CeGaT Center for Human Genetics Tuebingen
Classification: Benign. Last evaluated: 2025-02-01. Review status: criteria provided, single submitter. Criteria: CeGaT Center For Human Genetics Tuebingen Variant Classification Criteria Version 2. Collection method: clinical testing. Allele origin: germline. Affected: yes. Observed: 3 variant alleles.
Comment: ALK: BS1, BS2

NM_004304.5(ALK):c.3172+678C>T

Gene: ALK (ALK receptor tyrosine kinase; minus strand). Cytogenetic location: 2p23.2.
Variant type: single nucleotide variant.
Coding change: c.3172+678C>T on transcript NM_004304.5 (MANE Select); 678 bases into the intron after coding-DNA position 3172, C replaced by T.
Molecular consequence: intron variant.
Genome position (GRCh38, 1-based): chr2:29,224,783, G>A on the plus strand (C>T on the coding strand, the complement: ALK is on the minus strand). VCF-style: chr2-29224783-G-A. GRCh37 (hg19) VCF-style: chr2-29447649-G-A.
Identifiers: ClinVar variation 2650794 (VCV002650794.24), dbSNP rs533369666, ClinGen allele CA44632726.